The following is an entry in ClinVar:

NM_001384125.1(BLTP1):c.7387A>G (p.Met2463Val)

Gene: BLTP1 (bridge-like lipid transfer protein family member 1; plus strand). Cytogenetic location: 4q27.
Variant type: single nucleotide variant.
Coding change: c.7387A>G on transcript NM_001384125.1 (MANE Select); coding-DNA position 7387, A replaced by G.
Protein change: p.Met2463Val; replaces methionine 2463 with valine.
Molecular consequence: missense variant.
Genome position (GRCh38, 1-based): chr4:122,266,852, A>G. VCF-style: chr4-122266852-A-G. GRCh37 (hg19) VCF-style: chr4-123188007-A-G.
Other names: c.7387A>G, p.Met2463Val (NM_015312.4); short protein forms M2463V.
Identifiers: ClinVar variation 2501652 (VCV002501652.1), dbSNP rs2479514419, ClinGen allele CA358068353.

ClinVar aggregate classification (germline): Uncertain significance (1 of 4 stars; one submission).

Allele frequency attached by ClinVar (database versions not stated): gnomAD exomes below 0.00001.
gnomAD v4.1: 1 of 1,611,804 alleles (0.000062%); highest among the groups gnomAD compares: South Asian, 0.0011%; no homozygotes.

Submission:

GeneDx
Classification: Uncertain significance. Last evaluated: 2023-05-02. Review status: criteria provided, single submitter. Criteria: GeneDx Variant Classification Process June 2021. Collection method: clinical testing. Allele origin: germline. Affected: yes.
Comment: Not observed at significant frequency in large population cohorts (gnomAD); In silico analysis supports that this missense variant does not alter protein structure/function; Has not been previously published as pathogenic or benign to our knowledge